The following is an entry in ClinVar:

NM_172351.3(CD46):c.700G>A (p.Glu234Lys)

Gene: CD46 (CD46 molecule; plus strand). Cytogenetic location: 1q32.2.
Variant type: single nucleotide variant.
Coding change: c.700G>A on transcript NM_172351.3 (MANE Select); coding-DNA position 700, G replaced by A.
Protein change: p.Glu234Lys; replaces glutamic acid 234 with lysine.
Molecular consequence: missense variant.
Genome position (GRCh38, 1-based): chr1:207,767,039, G>A. VCF-style: chr1-207767039-G-A. GRCh37 (hg19) VCF-style: chr1-207940384-G-A.
Other names: c.700G>A, p.Glu234Lys (NM_002389.4, NM_153826.4, NM_172350.3 and 8 more transcripts); short protein forms E234K.
Identifiers: ClinVar variation 1358882 (VCV001358882.10), dbSNP rs576595023, ClinGen allele CA1371712.

ClinVar aggregate classification (germline): Conflicting classifications of pathogenicity. Review status: criteria provided, conflicting classifications (1 of 4 stars). 3 submissions from 3 submitters: Likely pathogenic (1); Uncertain significance (2). Last evaluated 2026-09-17.

Conditions:
CD46-related disorder. Also called: CD46-related condition.
Atypical hemolytic-uremic syndrome. Identifiers: Orphanet 2134, MedGen C2931788, MONDO:0016244.

Allele frequency attached by ClinVar (database versions not stated): gnomAD exomes 0.00003 and 0.00006; gnomAD 0.00004; TOPMed 0.00004; ExAC 0.00005; 1000 Genomes Project 30x 0.00016; 1000 Genomes Project 0.00020.
gnomAD v4.1: 43 of 1,613,534 alleles (0.0027%); highest among the groups gnomAD compares: South Asian, 0.021%; no homozygotes.

Submissions (3):

Genomenon, Inc
Classification: Likely pathogenic for Atypical hemolytic-uremic syndrome. Last evaluated: 2026-09-17. Review status: criteria provided, single submitter. Criteria: Genomenon Sequence Variant Interpretation Standards - Updated. Collection method: curation. Allele origin: germline. Affected: yes.
Comment: CD46 p.Glu234Lys (c.700G>A) is a missense variant that changes the amino acid at codon 234 from glutamic acid to lysine. This variant has been observed in at least one proband affected with atypical hemolytic-uremic syndrome (PMID:24799305;29282226). This variant is located in a mutational hotspot and/or important functional domain. It is absent or not present at a significant frequency in gnomAD. In silico models predict that this variant is not damaging. In conclusion, we classify CD46 p.Glu234Lys (c.700G>A) as a likely pathogenic variant.

Labcorp Genetics (formerly Invitae), Labcorp
Classification: Uncertain significance. Last evaluated: 2024-08-29. Review status: criteria provided, single submitter. Criteria: Invitae Variant Classification Sherloc (09022015). Collection method: clinical testing. Allele origin: germline.
Comment: This sequence change replaces glutamic acid, which is acidic and polar, with lysine, which is basic and polar, at codon 234 of the CD46 protein (p.Glu234Lys). This variant is present in population databases (rs576595023, gnomAD 0.03%). This missense change has been observed in individual(s) with atypical hemolytic uremic syndrome (PMID: 24799305, 26054645). ClinVar contains an entry for this variant (Variation ID: 1358882). Invitae Evidence Modeling of protein sequence and biophysical properties (such as structural, functional, and spatial information, amino acid conservation, physicochemical variation, residue mobility, and thermodynamic stability) indicates that this missense variant is not expected to disrupt CD46 protein function with a negative predictive value of 80%. In summary, the available evidence is currently insufficient to determine the role of this variant in disease. Therefore, it has been classified as a Variant of Uncertain Significance.

PreventionGenetics, part of Exact Sciences
Classification: Uncertain significance for CD46-related condition. Last evaluated: 2023-02-05. Review status: criteria provided, single submitter. Criteria: ACMG Guidelines, 2015. Collection method: clinical testing. Allele origin: germline.
Comment: The CD46 c.700G>A variant is predicted to result in the amino acid substitution p.Glu234Lys. This variant has been reported in the literature in association with atypical hemolytic uremic syndrome (Reported as MCP, Rodríguez de Córdoba et al. 2014. PubMed ID: 24799305). This variant is reported in 0.026% of alleles in individuals of South Asian descent in gnomAD. At this time, the clinical significance of this variant is uncertain due to the absence of conclusive functional and genetic evidence.

Literature cited by the submitters: PubMed 24799305 (cited by Genomenon, Inc and Labcorp Genetics (formerly Invitae), Labcorp); PubMed 29282226 (cited by Genomenon, Inc); PubMed 26054645 (cited by Labcorp Genetics (formerly Invitae), Labcorp).